The following is an entry in ClinVar:

NM_001020658.2(PUM1):c.1750C>T (p.Pro584Ser)

Gene: PUM1 (pumilio RNA binding family member 1; minus strand). Cytogenetic location: 1p35.2.
Variant type: single nucleotide variant.
Coding change: c.1750C>T on transcript NM_001020658.2 (MANE Select); coding-DNA position 1750, C replaced by T.
Protein change: p.Pro584Ser; replaces proline 584 with serine.
Molecular consequence: missense variant.
Genome position (GRCh38, 1-based): chr1:30,967,206, G>A on the plus strand (C>T on the coding strand, the complement: PUM1 is on the minus strand). VCF-style: chr1-30967206-G-A. GRCh37 (hg19) VCF-style: chr1-31440053-G-A.
Other names: c.1750C>T, p.Pro584Ser (NM_014676.3); short protein forms P584S.
Identifiers: ClinVar variation 3364724 (VCV003364724.1).

ClinVar aggregate classification (germline): Uncertain significance (1 of 4 stars; one submission).

Submission:

GeneDx
Classification: Uncertain significance. Last evaluated: 2023-11-20. Review status: criteria provided, single submitter. Criteria: GeneDx Variant Classification Process June 2021. Collection method: clinical testing. Allele origin: germline. Affected: yes.
Comment: Not observed at significant frequency in large population cohorts (gnomAD); In silico analysis supports that this missense variant has a deleterious effect on protein structure/function; Has not been previously published as pathogenic or benign to our knowledge